The following is an entry in ClinVar:

NM_001242868.2(SLAIN1):c.916+32G>T

Gene: SLAIN1 (SLAIN motif family member 1; plus strand). Cytogenetic location: 13q22.3.
Variant type: single nucleotide variant.
Coding change: c.916+32G>T on transcript NM_001242868.2 (MANE Select); 32 bases into the intron after coding-DNA position 916, G replaced by T.
Molecular consequence: intron variant. On other transcripts: missense variant (1).
Genome position (GRCh38, 1-based): chr13:77,744,464, G>T. VCF-style: chr13-77744464-G-T. GRCh37 (hg19) VCF-style: chr13-78318599-G-T.
Other names: c.6G>T, p.Arg2Ser (NM_001242871.2); c.1066+32G>T (NM_001411026.1); c.574+32G>T (NM_001366665.1); c.424+32G>T (NM_001040153.4); c.61+32G>T (NM_001366666.1, NM_001242869.2, NM_144595.4 and 1 more transcripts); short protein forms R2S.
Identifiers: ClinVar variation 3038901 (VCV003038901.2), dbSNP rs9600922, ClinGen allele CA7011882.
Genomic context (GRCh38, chr13:77,744,464, plus strand): 5'-TCAGATCATGGCTCGTCTGCAAGAAGAAAGTATGTGTTCTTTCTAAACTAGCAAAATGAG[G>T]CTTCCACTTGGAATATACAGGCAGAGGGGGAGGTTCAGGCATTTCTCTCCAGGTAATGGG-3'

ClinVar aggregate classification (germline): Benign (0 of 4 stars; one submission).

Conditions:
SLAIN1-related disorder. Also called: SLAIN1-related condition.

Allele frequency attached by ClinVar (database versions not stated): gnomAD exomes 0.00234; ExAC 0.00784; gnomAD 0.02331; TOPMed 0.02589; ESP Exome Variant Server 0.02745; 1000 Genomes Project 0.02756; 1000 Genomes Project 30x 0.03029.
gnomAD v4.1: 7,100 of 1,604,870 alleles (0.44%); highest among the groups gnomAD compares: African/African-American, 8.3%; 260 homozygotes.

Submission:

PreventionGenetics, part of Exact Sciences
Classification: Benign for SLAIN1-related condition. Last evaluated: 2019-09-06. Review status: no assertion criteria provided. Collection method: clinical testing. Allele origin: germline.
Comment: This variant is classified as benign based on ACMG/AMP sequence variant interpretation guidelines (Richards et al. 2015 PMID: 25741868, with internal and published modifications).